The following is an entry in ClinVar:

ClinVar aggregate classification (germline): Uncertain significance (1 of 4 stars; one submission).

gnomAD v4.1: 5 of 1,613,050 alleles (0.00031%); highest among the groups gnomAD compares: Admixed American, 0.0084%; no homozygotes.

Submission:

Labcorp Genetics (formerly Invitae), Labcorp
Classification: Uncertain significance. Last evaluated: 2024-09-26. Review status: criteria provided, single submitter. Criteria: Invitae Variant Classification Sherloc (09022015). Collection method: clinical testing. Allele origin: germline.
Comment: This sequence change replaces isoleucine, which is neutral and non-polar, with asparagine, which is neutral and polar, at codon 1337 of the HMCN1 protein (p.Ile1337Asn). This variant is present in population databases (rs745869818, gnomAD 0.01%). This variant has not been reported in the literature in individuals affected with HMCN1-related conditions. An algorithm developed to predict the effect of missense changes on protein structure and function (PolyPhen-2) suggests that this variant is likely to be disruptive. In summary, the available evidence is currently insufficient to determine the role of this variant in disease. Therefore, it has been classified as a Variant of Uncertain Significance.

NM_031935.3(HMCN1):c.4010T>A (p.Ile1337Asn)

Gene: HMCN1 (hemicentin 1; plus strand). Cytogenetic location: 1q31.1.
Variant type: single nucleotide variant.
Coding change: c.4010T>A on transcript NM_031935.3 (MANE Select); coding-DNA position 4010, T replaced by A.
Protein change: p.Ile1337Asn; replaces isoleucine 1337 with asparagine.
Molecular consequence: missense variant.
Genome position (GRCh38, 1-based): chr1:186,000,180, T>A. VCF-style: chr1-186000180-T-A. GRCh37 (hg19) VCF-style: chr1-185969312-T-A.
Other names: short protein forms I1337N.
Identifiers: ClinVar variation 3612065 (VCV003612065.2).